The following is an entry in ClinVar:

ClinVar aggregate classification (germline): Uncertain significance. Review status: criteria provided, multiple submitters, no conflicts (2 of 4 stars). 3 submissions from 3 submitters: Uncertain significance (3). Last evaluated 2024-03-05.

Conditions:
Inborn genetic diseases. Identifiers: MedGen C0950123, MeSH D030342.

Allele frequency attached by ClinVar (database versions not stated): ExAC 0.00002; gnomAD exomes 0.00003 and 0.00005; TOPMed 0.00005; gnomAD 0.00007.
gnomAD v4.1: 86 of 1,610,914 alleles (0.0053%); highest among the groups gnomAD compares: Non-Finnish European, 0.0059%; 1 homozygote.

Submissions (3):

Labcorp Genetics (formerly Invitae), Labcorp
Classification: Uncertain significance. Last evaluated: 2024-03-05. Review status: criteria provided, single submitter. Criteria: Invitae Variant Classification Sherloc (09022015). Collection method: clinical testing. Allele origin: germline.
Comment: This sequence change replaces methionine, which is neutral and non-polar, with valine, which is neutral and non-polar, at codon 81 of the EPS8 protein (p.Met81Val). This variant is present in population databases (rs201764343, gnomAD 0.006%). This variant has not been reported in the literature in individuals affected with EPS8-related conditions. ClinVar contains an entry for this variant (Variation ID: 1334345). Advanced modeling of protein sequence and biophysical properties (such as structural, functional, and spatial information, amino acid conservation, physicochemical variation, residue mobility, and thermodynamic stability) performed at Invitae indicates that this missense variant is not expected to disrupt EPS8 protein function with a negative predictive value of 80%. In summary, the available evidence is currently insufficient to determine the role of this variant in disease. Therefore, it has been classified as a Variant of Uncertain Significance.

GeneDx
Classification: Uncertain significance. Last evaluated: 2024-02-13. Review status: criteria provided, single submitter. Criteria: GeneDx Variant Classification Process June 2021. Collection method: clinical testing. Allele origin: germline. Affected: yes.
Comment: Not observed at significant frequency in large population cohorts (gnomAD); In silico analysis supports that this missense variant does not alter protein structure/function; Has not been previously published as pathogenic or benign to our knowledge

Ambry Genetics
Classification: Uncertain significance for Inborn genetic diseases. Last evaluated: 2023-02-01. Review status: criteria provided, single submitter. Criteria: Ambry Variant Classification Scheme 2023. Collection method: clinical testing. Allele origin: germline.

NM_004447.6(EPS8):c.241A>G (p.Met81Val)

Gene: EPS8 (EGFR pathway substrate 8, signaling adaptor; minus strand). Cytogenetic location: 12p12.3.
Variant type: single nucleotide variant.
Coding change: c.241A>G on transcript NM_004447.6 (MANE Select); coding-DNA position 241, A replaced by G.
Protein change: p.Met81Val; replaces methionine 81 with valine.
Molecular consequence: missense variant.
Genome position (GRCh38, 1-based): chr12:15,669,789, T>C on the plus strand (A>G on the coding strand, the complement: EPS8 is on the minus strand). VCF-style: chr12-15669789-T-C. GRCh37 (hg19) VCF-style: chr12-15822723-T-C.
Other names: short protein forms M81V.
Identifiers: ClinVar variation 1334345 (VCV001334345.8), dbSNP rs201764343, ClinGen allele CA6467923.